The following is an entry in ClinVar:

ClinVar aggregate classification (germline): Uncertain significance (1 of 4 stars; one submission).

Conditions:
Hereditary cancer-predisposing syndrome. Also called: Neoplastic Syndromes, Hereditary; Tumor predisposition; Hereditary neoplastic syndrome; Hereditary Cancer Syndrome. Identifiers: Orphanet 140162, MedGen C0027672, MeSH D009386, MONDO:0015356.

Submission:

Ambry Genetics
Classification: Uncertain significance for Hereditary cancer-predisposing syndrome. Last evaluated: 2026-09-11. Review status: criteria provided, single submitter. Criteria: Ambry Variant Classification Scheme 2023. Collection method: clinical testing. Allele origin: germline.
Comment: The c.2820+4A>C intronic variant results from an A to C substitution 4 nucleotides after coding exon 21 in the POLD1 gene. This nucleotide position is well conserved in available vertebrate species. In silico splice site analysis predicts that this alteration will not have any significant effect on splicing. Based on the available evidence, the clinical significance of this variant remains unclear.

NM_002691.4(POLD1):c.2820+4A>C

Gene: POLD1 (DNA polymerase delta 1, catalytic subunit; plus strand). Cytogenetic location: 19q13.33.
Variant type: single nucleotide variant.
Coding change: c.2820+4A>C on transcript NM_002691.4 (MANE Select); 4 bases into the intron after coding-DNA position 2820, A replaced by C.
Molecular consequence: intron variant.
Genome position (GRCh38, 1-based): chr19:50,415,830, A>C. VCF-style: chr19-50415830-A-C. GRCh37 (hg19) VCF-style: chr19-50919087-A-C.
Other names: c.2820+4A>C (NM_001256849.1, NM_001438212.1, NM_001438213.1); c.2748+4A>C (NM_001438210.1, NM_001438211.1); c.2898+4A>C (NM_001308632.1).
Identifiers: ClinVar variation 5027018 (VCV005027018.1).